The following is an entry in ClinVar:

NM_004385.5(VCAN):c.6973G>A (p.Gly2325Arg)

Genes: VCAN (versican; plus strand), VCAN-AS1 (VCAN antisense RNA 1; minus strand). Cytogenetic location: 5q14.3.
Variant type: single nucleotide variant.
Coding change: c.6973G>A on transcript NM_004385.5 (MANE Select); coding-DNA position 6973, G replaced by A.
Protein change: p.Gly2325Arg; replaces glycine 2325 with arginine.
Molecular consequence: missense variant. On other transcripts: intron variant (2).
Genome position (GRCh38, 1-based): chr5:83,539,976, G>A. VCF-style: chr5-83539976-G-A. GRCh37 (hg19) VCF-style: chr5-82835795-G-A.
Other names: c.4004-5561G>A (NM_001164098.2); c.1043-5561G>A (NM_001126336.3); c.4012G>A, p.Gly1338Arg (NM_001164097.2); short protein forms G1338R, G2325R.
Identifiers: ClinVar variation 2873088 (VCV002873088.3), dbSNP rs1746901950, ClinGen allele CA360313743.

ClinVar aggregate classification (germline): Uncertain significance (1 of 4 stars; one submission).

Submission:

Labcorp Genetics (formerly Invitae), Labcorp
Classification: Uncertain significance. Last evaluated: 2023-01-08. Review status: criteria provided, single submitter. Criteria: Invitae Variant Classification Sherloc (09022015). Collection method: clinical testing. Allele origin: germline.
Comment: In summary, the available evidence is currently insufficient to determine the role of this variant in disease. Therefore, it has been classified as a Variant of Uncertain Significance. Algorithms developed to predict the effect of missense changes on protein structure and function (SIFT, PolyPhen-2, Align-GVGD) all suggest that this variant is likely to be tolerated. This variant has not been reported in the literature in individuals affected with VCAN-related conditions. This variant is not present in population databases (gnomAD no frequency). This sequence change replaces glycine, which is neutral and non-polar, with arginine, which is basic and polar, at codon 2325 of the VCAN protein (p.Gly2325Arg).